The following is an entry in ClinVar:

ClinVar aggregate classification (germline): Pathogenic. Review status: criteria provided, multiple submitters, no conflicts (2 of 4 stars). 2 submissions from 2 submitters: Pathogenic (2). Last evaluated 2024-03-08.

Conditions:
Vascular malformation. Also called: Vascular malformations. Identifiers: MedGen C0158570, MONDO:0024291.

Submissions (2):

Clinical Genomics Laboratory, Washington University in St. Louis
Classification: Pathogenic for Vascular malformation. Last evaluated: 2024-03-08. Review status: criteria provided, single submitter. Criteria: ACMG Guidelines, 2015. Collection method: clinical testing. Allele origin: somatic. Affected: yes.
Comment: A TEK c.3314_3316delinsACC (p.Thr1105_Thr1106delinsAsnPro) variant was identified at an allelic fraction consistent with somatic origin. This variant has been reported in multiple individuals with venous malformations (Soblet J et al., PMID: 23801934; Soblet J et al., PMID: 27519652; Bell LM et al., PMID: 34254124). This variant has been reported in the ClinVar database by a single submitter as pathogenic in a germline state (ClinVar Variation ID: 1701565). The TEK c.3314_3316delinsACC (p.Thr1105_Thr1106delinsAsnPro) variant is absent from the general population (gnomAD v4.0.0), indicating it is not a common variant. Functional studies in zebrafish embryos demonstrate that when this variant is overexpressed in endothelial cells in a random mosaic fashion this leads to the development of venous malformations (Bell LM et al., PMID: 34254124). Based on an internally developed protocol informed by the ACMG/AMP guidelines (Richards S et al., PMID: 25741868) and gene-specific practices from the ClinGen Criteria Specification Registry, the TEK c.3314_3316delinsACC (p.Thr1105_Thr1106delinsAsnPro) variant is classified as pathogenic.

CeGaT Center for Human Genetics Tuebingen
Classification: Pathogenic. Last evaluated: 2022-05-01. Review status: criteria provided, single submitter. Criteria: CeGaT Center For Human Genetics Tuebingen Variant Classification Criteria Version 2. Collection method: clinical testing. Allele origin: germline. Affected: yes. Observed: 1 variant allele.
Comment: TEK: PP4:Strong, PM1, PM2, PS3:Moderate

NM_000459.5(TEK):c.3314_3316delinsACC (p.Thr1105_Thr1106delinsAsnPro)

Gene: TEK (TEK receptor tyrosine kinase; plus strand). Cytogenetic location: 9p21.2.
Variant type: Indel.
Coding change: c.3314_3316delinsACC on transcript NM_000459.5 (MANE Select); coding-DNA positions 3314 to 3316, CCA replaced by ACC.
Protein change: p.Thr1105_Thr1106delinsAsnPro.
Molecular consequence: missense variant.
Genome position (GRCh38, 1-based): chr9:27,229,171-27,229,173, CCA replaced by ACC. VCF-style: chr9-27229171-CCA-ACC. GRCh37 (hg19) VCF-style: chr9-27229169-CCA-ACC.
Other names: c.3185_3187delCCAinsACC, p.Thr1062_Thr1063delinsAsnPro (NM_001290077.2); c.2870_2872delCCAinsACC, p.Thr957_Thr958delinsAsnPro (NM_001290078.2); c.3311_3313delinsACC, p.Thr1104_Thr1105delinsAsnPro (NM_001375475.1); c.3182_3184delinsACC, p.Thr1061_Thr1062delinsAsnPro (NM_001375476.1).
Identifiers: ClinVar variation 1701565 (VCV001701565.32), dbSNP rs2131267744, ClinGen allele CA2580080321.
Genomic context (GRCh38, chr9:27,229,171, plus strand): 5'-GTGGAATCAAAGCAGCCTATGTCTCTGAACCATTTTCATTCTTCCAGACCTACGTGAATA[CCA>ACC]CGCTTTATGAGAAGTTTACTTATGCAGGAATTGACTGTTCTGCTGAAGAAGCGGCCTAGG-3'